The following is an entry in ClinVar:

ClinVar aggregate classification (germline): Uncertain significance (1 of 4 stars; one submission).

Submission:

Labcorp Genetics (formerly Invitae), Labcorp
Classification: Uncertain significance. Last evaluated: 2022-11-08. Review status: criteria provided, single submitter. Criteria: Invitae Variant Classification Sherloc (09022015). Collection method: clinical testing. Allele origin: germline.
Comment: This sequence change replaces leucine, which is neutral and non-polar, with methionine, which is neutral and non-polar, at codon 172 of the RNF43 protein (p.Leu172Met). This variant is not present in population databases (gnomAD no frequency). This variant has not been reported in the literature in individuals affected with RNF43-related conditions. Algorithms developed to predict the effect of missense changes on protein structure and function are either unavailable or do not agree on the potential impact of this missense change (SIFT: "Deleterious"; PolyPhen-2: "Probably Damaging"; Align-GVGD: "Class C0"). In summary, the available evidence is currently insufficient to determine the role of this variant in disease. Therefore, it has been classified as a Variant of Uncertain Significance.

NM_017763.6(RNF43):c.514C>A (p.Leu172Met)

Gene: RNF43 (ring finger protein 43; minus strand). Cytogenetic location: 17q22.
Variant type: single nucleotide variant.
Coding change: c.514C>A on transcript NM_017763.6 (MANE Select); coding-DNA position 514, C replaced by A.
Protein change: p.Leu172Met; replaces leucine 172 with methionine.
Molecular consequence: missense variant.
Genome position (GRCh38, 1-based): chr17:58,363,343, G>T on the plus strand (C>A on the coding strand, the complement: RNF43 is on the minus strand). VCF-style: chr17-58363343-G-T. GRCh37 (hg19) VCF-style: chr17-56440704-G-T.
Other names: c.514C>A, p.Leu172Met (NM_001305544.3); c.133C>A, p.Leu45Met (NM_001305545.2); short protein forms L45M, L172M.
Identifiers: ClinVar variation 2811476 (VCV002811476.3), dbSNP rs1246806241, ClinGen allele CA400338250.
Genomic context (GRCh38, chr17:58,363,343, plus strand): 5'-GGGGCTCCTTCAGCTCAATCCTCACATGGGCCTTTTGGTTCTTGTACACAAACTCCATCA[G>T]CTTCTCAGCGTCATTACCCCAGATCAACACCACTGGCCAGGTCAGCCCCAGCGGCTGCTG-3'
Protein context (NP_060233.3, residues 162-182): VLIWGNDAEK[Leu172Met]MEFVYKNQKA